The following is an entry in ClinVar:

ClinVar aggregate classification (germline): Uncertain significance. Review status: criteria provided, multiple submitters, no conflicts (2 of 4 stars). 2 submissions from 2 submitters: Uncertain significance (2). Last evaluated 2025-12-21.

Conditions:
Inborn genetic diseases. Identifiers: MedGen C0950123, MeSH D030342.

Allele frequency attached by ClinVar (database versions not stated): gnomAD exomes 0.00004 and 0.00005; ExAC 0.00005; gnomAD 0.00005; TOPMed 0.00014; ESP Exome Variant Server 0.00033.

Submissions (2):

Labcorp Genetics (formerly Invitae), Labcorp
Classification: Uncertain significance. Last evaluated: 2025-12-21. Review status: criteria provided, single submitter. Criteria: Invitae Variant Classification Sherloc (09022015). Collection method: clinical testing. Allele origin: germline.
Comment: This sequence change replaces threonine, which is neutral and polar, with isoleucine, which is neutral and non-polar, at codon 2237 of the GPR179 protein (p.Thr2237Ile). This variant is present in population databases (rs200728573, gnomAD 0.03%). This variant has not been reported in the literature in individuals affected with GPR179-related conditions. ClinVar contains an entry for this variant (Variation ID: 1468238). An algorithm developed to predict the effect of missense changes on protein structure and function outputs the following: PolyPhen-2: "Benign". The isoleucine amino acid residue is found in multiple mammalian species, which suggests that this missense change does not adversely affect protein function. In summary, the available evidence is currently insufficient to determine the role of this variant in disease. Therefore, it has been classified as a Variant of Uncertain Significance.

Ambry Genetics
Classification: Uncertain significance for Inborn genetic diseases. Last evaluated: 2024-08-25. Review status: criteria provided, single submitter. Criteria: Ambry Variant Classification Scheme 2023. Collection method: clinical testing. Allele origin: germline.

NM_001004334.4(GPR179):c.6710C>T (p.Thr2237Ile)

Gene: GPR179 (G protein-coupled receptor 179; minus strand). Cytogenetic location: 17q12.
Variant type: single nucleotide variant.
Coding change: c.6710C>T on transcript NM_001004334.4 (MANE Select); coding-DNA position 6710, C replaced by T.
Protein change: p.Thr2237Ile; replaces threonine 2237 with isoleucine.
Molecular consequence: missense variant.
Genome position (GRCh38, 1-based): chr17:38,326,859, G>A on the plus strand (C>T on the coding strand, the complement: GPR179 is on the minus strand). VCF-style: chr17-38326859-G-A. GRCh37 (hg19) VCF-style: chr17-36482742-G-A.
Other names: c.6710C>T (NM_001004334.2); short protein forms T2237I.
Identifiers: ClinVar variation 1468238 (VCV001468238.9), dbSNP rs200728573, ClinGen allele CA290102846.